The following is an entry in ClinVar:

NM_002734.5(PRKAR1A):c.911_913del (p.Gln304del)

Gene: PRKAR1A (protein kinase cAMP-dependent type I regulatory subunit alpha; plus strand). Cytogenetic location: 17q24.2.
Variant type: Deletion.
Coding change: c.911_913del on transcript NM_002734.5 (MANE Select); coding-DNA positions 911 to 913, 3 bases deleted (AAC; older notation c.911_913delAAC).
Protein change: p.Gln304del; deletes glutamine 304.
Molecular consequence: inframe deletion.
Genome position (GRCh38, 1-based): chr17:68,529,939-68,529,941, AAC deleted; deleting any 3 consecutive bases within chr17:68,529,937-68,529,941 gives the same sequence; the c. name uses the placement nearest the transcript's 3' end. VCF-style (leftmost placement, unchanged base first): chr17-68529936-TACA-T. GRCh37 (hg19) VCF-style: chr17-66526077-TACA-T.
Other names: c.911_913del, p.Gln304del (NM_001276289.2, NM_001276290.1, NM_001278433.2 and 4 more transcripts); short protein forms Q304del.
Identifiers: ClinVar variation 4731618 (VCV004731618.1).

ClinVar aggregate classification (germline): Uncertain significance (1 of 4 stars; one submission).

Conditions:
Carney complex, type 1 (CNC1). Also called: CARNEY COMPLEX, TYPE I; CARNEY MYXOMA-ENDOCRINE COMPLEX. Identifiers: Orphanet 1359, MedGen C2607929, MONDO:0008057, OMIM 160980.

Submission:

Labcorp Genetics (formerly Invitae), Labcorp
Classification: Uncertain significance for Carney complex, type 1. Last evaluated: 2025-11-20. Review status: criteria provided, single submitter. Criteria: Invitae Variant Classification Sherloc (09022015). Collection method: clinical testing. Allele origin: germline.
Comment: This variant, c.911_913del, results in the deletion of 1 amino acid(s) of the PRKAR1A protein (p.Gln304del), but otherwise preserves the integrity of the reading frame. This variant is not present in population databases (gnomAD no frequency). This variant has not been reported in the literature in individuals affected with PRKAR1A-related conditions. Experimental studies and prediction algorithms are not available or were not evaluated, and the functional significance of this variant is currently unknown. In summary, the available evidence is currently insufficient to determine the role of this variant in disease. Therefore, it has been classified as a Variant of Uncertain Significance.